The following is an entry in ClinVar:

NM_001003722.2(GLE1):c.1503del (p.Ile502fs)

Genes: GLE1 (GLE1 RNA export mediator; plus strand), LOC101929270 (uncharacterized LOC101929270; minus strand). Cytogenetic location: 9q34.11.
Variant type: Deletion.
Coding change: c.1503del on transcript NM_001003722.2 (MANE Select); coding-DNA position 1503, one base deleted (C; older notation c.1503delC).
Protein change: p.Ile502fs; shifts the reading frame from isoleucine 502.
Molecular consequence: frameshift variant.
Genome position (GRCh38, 1-based): chr9:128,533,808, C deleted; the last of 4 consecutive C bases (chr9:128,533,805-128,533,808); deleting any one gives the same sequence. VCF-style (leftmost placement, unchanged base first): chr9-128533804-TC-T. GRCh37 (hg19) VCF-style: chr9-131296083-TC-T.
Other names: c.1530del, p.Ile511fs (NM_001411013.1); c.1503del, p.Ile502fs (NM_001499.2); short protein forms I502fs, I511fs.
Identifiers: ClinVar variation 4814491 (VCV004814491.1).

ClinVar aggregate classification (germline): Likely pathogenic (1 of 4 stars; one submission).

Conditions:
Lethal congenital contractural syndrome Finnish type.

Submission:

Natera, Inc.
Classification: Likely pathogenic for Lethal congenital contractural syndrome Finnish type. Last evaluated: 2024-11-12. Review status: criteria provided, single submitter. Criteria: Natera Variant Classification Schema (03/2026). Collection method: clinical testing. Allele origin: germline.
Comment: The c.1503delC variant in GLE1 is a frameshift variant predicted to shift the reading frame beginning at codon 502 and leads to a stop codon 54 codons downstream. This variant is expected to result in nonsense mediated decay, truncation, or a dysfunctional protein product. This variant is rare in the general population with a frequency below the threshold expected for the associated phenotype(s). Given the available evidence, this variant is classified as Likely Pathogenic.